The following is an entry in ClinVar:

ClinVar aggregate classification (germline): Benign/Likely benign. Review status: criteria provided, multiple submitters, no conflicts (2 of 4 stars). 4 submissions from 4 submitters: Benign (1); Likely benign (3). Last evaluated 2026-02-02.

Conditions:
Mucopolysaccharidosis, MPS-III-D (MPS3D). Also called: MPS III D; Mucopoly-saccharidosis type 3D; N-acetylglucosamine-6-sulfate sulfatase deficiency; MPS 3D; N-ACETYLGLUCOSAMINE-6-SULFATASE DEFICIENCY; SANFILIPPO SYNDROME D. Identifiers: Orphanet 581, Orphanet 79272, MedGen C0086650, MONDO:0009658, OMIM 252940.

Allele frequency attached by ClinVar (database versions not stated): gnomAD 0.00415 and 0.00389; 1000 Genomes Project 30x 0.00515; gnomAD exomes 0.00110 and 0.00036; ESP Exome Variant Server 0.00415; ExAC 0.00128; TOPMed 0.00441; 1000 Genomes Project 0.00499.
gnomAD v4.1: 1,126 of 1,588,258 alleles (0.071%); highest among the groups gnomAD compares: African/African-American, 1.4%; 5 homozygotes.

Submissions (4):

Labcorp Genetics (formerly Invitae), Labcorp
Classification: Benign for Mucopolysaccharidosis, MPS-III-D. Last evaluated: 2026-02-02. Review status: criteria provided, single submitter. Criteria: Invitae Variant Classification Sherloc (09022015). Collection method: clinical testing. Allele origin: germline.

Mayo Clinic Laboratories, Mayo Clinic
Classification: Likely benign. Last evaluated: 2025-05-07. Review status: criteria provided, single submitter. Criteria: ACMG Guidelines, 2015. Collection method: clinical testing. Allele origin: germline. Observed: 2 variant alleles.
Comment: BS1, BP4, BP7

Blueprint Genetics
Classification: Likely benign. Last evaluated: 2024-11-26. Review status: criteria provided, single submitter. Criteria: ACMG Guidelines, 2015. Collection method: clinical testing. Allele origin: germline.

Fulgent Genetics
Classification: Likely benign for Mucopolysaccharidosis, MPS-III-D. Last evaluated: 2021-11-05. Review status: criteria provided, single submitter. Criteria: ACMG Guidelines, 2015. Collection method: clinical testing. Allele origin: unknown.

NM_002076.4(GNS):c.792+16A>G

Gene: GNS (glucosamine (N-acetyl)-6-sulfatase; minus strand). Cytogenetic location: 12q14.3.
Variant type: single nucleotide variant.
Coding change: c.792+16A>G on transcript NM_002076.4 (MANE Select); 16 bases into the intron after coding-DNA position 792, A replaced by G.
Molecular consequence: intron variant.
Genome position (GRCh38, 1-based): chr12:64,743,125, T>C on the plus strand (A>G on the coding strand, the complement: GNS is on the minus strand). VCF-style: chr12-64743125-T-C. GRCh37 (hg19) VCF-style: chr12-65136905-T-C.
Other names: p.?.
Identifiers: ClinVar variation 1166126 (VCV001166126.12), dbSNP rs148924072, ClinGen allele CA6669845.